The following is an entry in ClinVar:

ClinVar aggregate classification (germline): Likely benign. Review status: criteria provided, multiple submitters, no conflicts (2 of 4 stars). 2 submissions from 2 submitters: Likely benign (2). Last evaluated 2018-06-14.

Allele frequency attached by ClinVar (database versions not stated): 1000 Genomes Project 30x 0.04310; gnomAD 0.03305; TOPMed 0.03384; 1000 Genomes Project 0.04533.

Submissions (2):

GeneDx
Classification: Likely benign. Last evaluated: 2018-06-14. Review status: criteria provided, single submitter. Criteria: GeneDx Variant Classification (06012015). Collection method: clinical testing. Allele origin: germline. Affected: yes.
Comment: This variant is considered likely benign or benign based on one or more of the following criteria: it is a conservative change, it occurs at a poorly conserved position in the protein, it is predicted to be benign by multiple in silico algorithms, and/or has population frequency not consistent with disease.

Breakthrough Genomics
Classification: Likely benign. Review status: criteria provided, single submitter. Criteria: ACMG Guidelines, 2015. Collection method: not provided. Allele origin: germline. Inheritance: Autosomal recessive inheritance. Affected: yes.

NM_002936.4(RNASEH1):c.-128T>C

Genes: RNASEH1 (ribonuclease H1; minus strand), RNASEH1-DT (RNASEH1 divergent transcript; plus strand), LOC129933002 (ATAC-STARR-seq lymphoblastoid active region 15231; plus strand). Cytogenetic location: 2p25.3.
Variant type: single nucleotide variant.
Coding change: c.-128T>C on transcript NM_002936.4; 128 bases upstream of the start codon, T replaced by C.
Molecular consequence: non-coding transcript variant (on NR_038429.1).
Genome position (GRCh38, 1-based): chr2:3,558,388, A>G on the plus strand (T>C on the coding strand, the complement: RNASEH1 is on the minus strand). VCF-style: chr2-3558388-A-G. GRCh37 (hg19) VCF-style: chr2-3605978-A-G.
Identifiers: ClinVar variation 683667 (VCV000683667.4), dbSNP rs28384453, ClinGen allele CA11054866.
Genomic context (GRCh38, chr2:3,558,388, plus strand): 5'-AACACCGCACTTCCGTCACCGGCGCGGGAAGATGACGCACGTCTGGGCGGAGTCCTGATG[A>G]GGGCCGGGGCCTAGGGAGGGGCGGTGTCGTAGGGCGGAGCCCGGAGCTCGGCCCCTGACG-3'